The following is an entry in ClinVar:

ClinVar aggregate classification (germline): Uncertain significance. Review status: criteria provided, multiple submitters, no conflicts (2 of 4 stars). 2 submissions from 2 submitters: Uncertain significance (2). Last evaluated 2025-05-21.

Allele frequency attached by ClinVar (database versions not stated): gnomAD 0.00002; TOPMed 0.00002.
gnomAD v4.1: 4 of 1,535,074 alleles (0.00026%); highest among the groups gnomAD compares: African/African-American, 0.0041%; no homozygotes.

Submissions (2):

Ambry Genetics
Classification: Uncertain significance. Last evaluated: 2025-05-21. Review status: criteria provided, single submitter. Criteria: Ambry Variant Classification Scheme 2023. Collection method: clinical testing. Allele origin: germline.

Labcorp Genetics (formerly Invitae), Labcorp
Classification: Uncertain significance. Last evaluated: 2022-06-13. Review status: criteria provided, single submitter. Criteria: Invitae Variant Classification Sherloc (09022015). Collection method: clinical testing. Allele origin: germline.
Comment: In summary, the available evidence is currently insufficient to determine the role of this variant in disease. Therefore, it has been classified as a Variant of Uncertain Significance. Algorithms developed to predict the effect of missense changes on protein structure and function are either unavailable or do not agree on the potential impact of this missense change (SIFT: "Deleterious"; PolyPhen-2: "Probably Damaging"; Align-GVGD: "Class C0"). This variant has not been reported in the literature in individuals affected with RNF31-related conditions. This variant is not present in population databases (gnomAD no frequency). This sequence change replaces arginine, which is basic and polar, with leucine, which is neutral and non-polar, at codon 1069 of the RNF31 protein (p.Arg1069Leu).

NM_017999.5(RNF31):c.3206G>T (p.Arg1069Leu)

Gene: RNF31 (ring finger protein 31; plus strand). Cytogenetic location: 14q12.
Variant type: single nucleotide variant.
Coding change: c.3206G>T on transcript NM_017999.5 (MANE Select); coding-DNA position 3206, G replaced by T.
Protein change: p.Arg1069Leu; replaces arginine 1069 with leucine.
Molecular consequence: missense variant.
Genome position (GRCh38, 1-based): chr14:24,160,560, G>T. VCF-style: chr14-24160560-G-T. GRCh37 (hg19) VCF-style: chr14-24629769-G-T.
Other names: c.2753G>T, p.Arg918Leu (NM_001310332.2); c.3206G>T (NM_017999.4); short protein forms R918L, R1069L.
Identifiers: ClinVar variation 1478547 (VCV001478547.9), dbSNP rs780060640, ClinGen allele CA389197362.
Genomic context (GRCh38, chr14:24,160,560, plus strand): 5'-CCTTCTCTCTCCTTCTGCAGAAGCTGACAGAAGAGGTACCCTTGGGACAGAGTATCCCCC[G>T]CAGGCGGAAGTAGCTGAGGGCAAGGGTCCCGATGAGGGTCCCATGGCCTGCTCCCTCAGG-3'
Protein context (NP_060469.4, residues 1059-1072): EEVPLGQSIP[Arg1069Leu]RRK